The following is an entry in ClinVar:

ClinVar aggregate classification (germline): Benign/Likely benign. Review status: criteria provided, multiple submitters, no conflicts (2 of 4 stars). 2 submissions from 2 submitters: Benign (1); Likely benign (1). Last evaluated 2025-02-18.

Conditions:
Fanconi anemia complementation group O. Also called: RAD51C-Related Fanconi Anemia. Identifiers: Orphanet 84, MedGen C3150653, MONDO:0013248, OMIM 613390.
Breast-ovarian cancer, familial, susceptibility to, 3. Also called: RAD51C-Related Breast/Ovarian Cancer. Identifiers: Orphanet 145, MedGen C3150659, MONDO:0013253, OMIM 613399.

Submissions (2):

Myriad Genetics, Inc.
Classification: Benign for Breast-ovarian cancer, familial, susceptibility to, 3. Last evaluated: 2025-02-18. Review status: criteria provided, single submitter. Criteria: Myriad Autosomal Dominant, Autosomal Recessive and X-Linked Classification Criteria (2023). Collection method: clinical testing. Allele origin: unknown.
Comment: This variant is considered benign. This variant is a silent/synonymous amino acid change and it is not expected to impact splicing.

Labcorp Genetics (formerly Invitae), Labcorp
Classification: Likely benign for Fanconi anemia complementation group O. Last evaluated: 2024-03-19. Review status: criteria provided, single submitter. Criteria: Invitae Variant Classification Sherloc (09022015). Collection method: clinical testing. Allele origin: germline.

NM_058216.3(RAD51C):c.507G>C (p.Val169=)

Gene: RAD51C (RAD51 paralog C; plus strand). Cytogenetic location: 17q22.
Variant type: single nucleotide variant.
Coding change: c.507G>C on transcript NM_058216.3 (MANE Select); coding-DNA position 507, G replaced by C.
Protein change: p.Val169=; no amino-acid change (valine 169 retained).
Molecular consequence: synonymous variant.
Genome position (GRCh38, 1-based): chr17:58,696,795, G>C. VCF-style: chr17-58696795-G-C. GRCh37 (hg19) VCF-style: chr17-56774156-G-C.
Identifiers: ClinVar variation 3646675 (VCV003646675.3).